The following is an entry in ClinVar:

ClinVar aggregate classification (germline): Benign. Review status: criteria provided, multiple submitters, no conflicts (2 of 4 stars). 7 submissions from 6 submitters: Benign (7). Last evaluated 2026-02-04.

Conditions:
Epithelial recurrent erosion dystrophy (ERED). Also called: CORNEAL EROSIONS, RECURRING HEREDITARY. Identifiers: Orphanet 293381, MedGen C1852551, MONDO:0007381, OMIM 122400.
Junctional epidermolysis bullosa, non-Herlitz type. Also called: Adult junctional epidermolysis bullosa; COL17A1-Related Junctional Epidermolysis Bullosa; Epidermolysis bullosa, junctional, non-herlitz type, somatic mosaic revertant; EPIDERMOLYSIS BULLOSA JUNCTIONALIS, DISENTIS TYPE; EPIDERMOLYSIS BULLOSA JUNCTIONALIS, NON-HERLITZ TYPE; EPIDERMOLYSIS BULLOSA JUNCTIONALIS, PROGRESSIVE. Identifiers: Orphanet 251393, Orphanet 79402, Orphanet 79405, Orphanet 89840, MedGen C0268374, MONDO:0009180, OMIM 226650.

Allele frequency attached by ClinVar (database versions not stated): 1000 Genomes Project 0.25859; 1000 Genomes Project 30x 0.26062; gnomAD 0.27807 and 0.28157; TOPMed 0.28057; ESP Exome Variant Server 0.29025.
gnomAD v4.1: 398,489 of 1,613,936 alleles (25%); highest among the groups gnomAD compares: African/African-American, 37%; 50,100 homozygotes.

Submissions (7):

Labcorp Genetics (formerly Invitae), Labcorp
Classification: Benign. Last evaluated: 2026-02-04. Review status: criteria provided, single submitter. Criteria: Invitae Variant Classification Sherloc (09022015). Collection method: clinical testing. Allele origin: germline.

Genome-Nilou Lab
Classification: Benign for Junctional epidermolysis bullosa, non-Herlitz type. Last evaluated: 2021-07-22. Review status: criteria provided, single submitter. Criteria: ACMG Guidelines, 2015. Collection method: clinical testing. Allele origin: germline. Affected: no.

Genome-Nilou Lab
Classification: Benign for Epithelial recurrent erosion dystrophy. Last evaluated: 2021-07-22. Review status: criteria provided, single submitter. Criteria: ACMG Guidelines, 2015. Collection method: clinical testing. Allele origin: germline. Affected: no.

Illumina Laboratory Services, Illumina
Classification: Benign for Junctional epidermolysis bullosa, non-Herlitz type. Last evaluated: 2018-01-13. Review status: criteria provided, single submitter. Criteria: ICSL Variant Classification Criteria 13 December 2019. Collection method: clinical testing. Allele origin: germline.
Comment: This variant was observed in the ICSL laboratory as part of a predisposition screen in an ostensibly healthy population. It had not been previously curated by ICSL or reported in the Human Gene Mutation Database (HGMD: prior to June 1st, 2018), and was therefore a candidate for classification through an automated scoring system. Utilizing variant allele frequency, disease prevalence and penetrance estimates, and inheritance mode, an automated score was calculated to assess if this variant is too frequent to cause the disease. Based on the score and internal cut-off values, a variant classified as benign is not then subjected to further curation. The score for this variant resulted in a classification of benign for this disease.

GeneDx
Classification: Benign. Last evaluated: 2015-03-03. Review status: criteria provided, single submitter. Criteria: GeneDx Variant Classification Process June 2021. Collection method: clinical testing. Allele origin: germline. Affected: yes.

Breakthrough Genomics
Classification: Benign. Review status: criteria provided, single submitter. Criteria: ACMG Guidelines, 2015. Collection method: not provided. Allele origin: germline. Inheritance: Autosomal recessive inheritance. Affected: yes.

PreventionGenetics, part of Exact Sciences
Classification: Benign. Review status: criteria provided, single submitter. Criteria: ACMG Guidelines, 2015. Collection method: clinical testing. Allele origin: germline.

NM_000494.4(COL17A1):c.4109A>G (p.Asp1370Gly)

Gene: COL17A1 (collagen type XVII alpha 1 chain; minus strand). Cytogenetic location: 10q25.1.
Variant type: single nucleotide variant.
Coding change: c.4109A>G on transcript NM_000494.4 (MANE Select); coding-DNA position 4109, A replaced by G.
Protein change: p.Asp1370Gly; replaces aspartic acid 1370 with glycine.
Molecular consequence: missense variant.
Genome position (GRCh38, 1-based): chr10:104,033,992, T>C on the plus strand (A>G on the coding strand, the complement: COL17A1 is on the minus strand). VCF-style: chr10-104033992-T-C. GRCh37 (hg19) VCF-style: chr10-105793750-T-C.
Other names: c.4109A>G, p.Asp1370Gly (LRG_1249t1); short protein forms D1370G.
Identifiers: ClinVar variation 256275 (VCV000256275.18), dbSNP rs17116350, ClinGen allele CA5677717.
Genomic context (GRCh38, chr10:104,033,992, plus strand): 5'-TGTCCCCACTTACGCTGCATGCTCTCTGACACCCTCACAGCCAGCTCATTGTAATCCAGA[T>C]CTCCAGCAAAGTCAGCTCCCAATAGTCCGCCATTGCCAGCATACATGCCGCCTTCTGCTG-3'
Protein context (NP_000485.3, residues 1360-1380): GGLLGADFAG[Asp1370Gly]LDYNELAVRV